The following is an entry in ClinVar:

NM_000587.4(C7):c.1261-9T>C

Gene: C7 (complement C7; plus strand). Cytogenetic location: 5p13.1.
Variant type: single nucleotide variant.
Coding change: c.1261-9T>C on transcript NM_000587.4 (MANE Select); 9 bases into the intron before coding-DNA position 1261, T replaced by C.
Molecular consequence: intron variant.
Genome position (GRCh38, 1-based): chr5:40,958,024, T>C. VCF-style: chr5-40958024-T-C. GRCh37 (hg19) VCF-style: chr5-40958126-T-C.
Other names: c.1261-9T>C (NM_000587.3).
Identifiers: ClinVar variation 1546525 (VCV001546525.11), dbSNP rs192190833, ClinGen allele CA3249915.
Genomic context (GRCh38, chr5:40,958,024, plus strand): 5'-TAAACATGAAAAGCAAAATATTCTTGCCTAAATCCCTGATTACTGACTATAATGTCTTTA[T>C]CTCTATAGCTGACACCTTTATATGAGCTGGTAAAGGAAGTACCTTGTGCCTCTGTGAAAA-3'

ClinVar aggregate classification (germline): Benign/Likely benign. Review status: criteria provided, multiple submitters, no conflicts (2 of 4 stars). 3 submissions from 3 submitters: Benign (1); Likely benign (1). 1 of the submissions does not count toward it. Last evaluated 2026-01-21.

Conditions:
C7-related disorder. Also called: C7-related condition.

Allele frequency attached by ClinVar (database versions not stated): gnomAD exomes 0.00012 and 0.00028; ExAC 0.00047; gnomAD 0.00097 and 0.00100; ESP Exome Variant Server 0.00101; TOPMed 0.00122; 1000 Genomes Project 30x 0.00156; 1000 Genomes Project 0.00200.
gnomAD v4.1: 340 of 1,592,914 alleles (0.021%); highest among the groups gnomAD compares: African/African-American, 0.36%; 2 homozygotes.

Submissions (3):

Labcorp Genetics (formerly Invitae), Labcorp
Classification: Benign. Last evaluated: 2026-01-21. Review status: criteria provided, single submitter. Criteria: Invitae Variant Classification Sherloc (09022015). Collection method: clinical testing. Allele origin: germline.

Blueprint Genetics
Classification: Likely benign. Last evaluated: 2024-09-23. Review status: criteria provided, single submitter. Criteria: ACMG Guidelines, 2015. Collection method: clinical testing. Allele origin: germline.

PreventionGenetics, part of Exact Sciences
Classification: Likely benign for C7-related condition. Last evaluated: 2023-11-30. Review status: no assertion criteria provided. Collection method: clinical testing. Allele origin: germline. Not counted in ClinVar's aggregate classification.
Comment: This variant is classified as likely benign based on ACMG/AMP sequence variant interpretation guidelines (Richards et al. 2015 PMID: 25741868, with internal and published modifications).